The following is an entry in ClinVar:

ClinVar aggregate classification (germline): Conflicting classifications of pathogenicity. Review status: criteria provided, conflicting classifications (1 of 4 stars). 6 submissions from 6 submitters: Uncertain significance (2); Benign (1); Likely benign (3). Last evaluated 2026-01-19.

Conditions:
Congenital muscular dystrophy due to partial LAMA2 deficiency. Identifiers: MedGen C1842898.
LAMA2-related muscular dystrophy (LAMA2-RD). Also called: Laminin alpha 2-related dystrophy. Identifiers: MedGen C5679788, MONDO:0100228.

Allele frequency attached by ClinVar (database versions not stated): gnomAD 0.00020; TOPMed 0.00029; ExAC 0.00030; gnomAD exomes 0.00037; ESP Exome Variant Server 0.00054.
gnomAD v4.1: 394 of 1,612,980 alleles (0.024%); highest among the groups gnomAD compares: Middle Eastern, 0.033%; no homozygotes.

Submissions (6):

Labcorp Genetics (formerly Invitae), Labcorp
Classification: Benign for LAMA2-related muscular dystrophy. Last evaluated: 2026-01-19. Review status: criteria provided, single submitter. Criteria: Invitae Variant Classification Sherloc (09022015). Collection method: clinical testing. Allele origin: germline.

Blueprint Genetics
Classification: Likely benign. Last evaluated: 2024-08-23. Review status: criteria provided, single submitter. Criteria: ACMG Guidelines, 2015. Collection method: clinical testing. Allele origin: germline.

Revvity Omics, Revvity
Classification: Likely benign. Last evaluated: 2023-11-27. Review status: criteria provided, single submitter. Criteria: ACMG Guidelines, 2015. Collection method: clinical testing. Allele origin: germline.

GeneDx
Classification: Likely benign. Last evaluated: 2018-03-20. Review status: criteria provided, single submitter. Criteria: GeneDx Variant Classification (06012015). Collection method: clinical testing. Allele origin: germline. Affected: yes.
Comment: This variant is considered likely benign or benign based on one or more of the following criteria: it is a conservative change, it occurs at a poorly conserved position in the protein, it is predicted to be benign by multiple in silico algorithms, and/or has population frequency not consistent with disease.

Illumina Laboratory Services, Illumina
Classification: Uncertain significance for Congenital muscular dystrophy due to partial LAMA2 deficiency. Last evaluated: 2018-01-13. Review status: criteria provided, single submitter. Criteria: ICSL Variant Classification Criteria 13 December 2019. Collection method: clinical testing. Allele origin: germline.

Center for Pediatric Genomic Medicine, Children's Mercy Hospital and Clinics
Classification: Uncertain significance. Last evaluated: 2017-06-02. Review status: criteria provided, single submitter. Criteria: ACMG Guidelines, 2015. Collection method: clinical testing. Allele origin: germline.

NM_000426.4(LAMA2):c.8988+15T>C

Gene: LAMA2 (laminin subunit alpha 2; plus strand). Cytogenetic location: 6q22.33.
Variant type: single nucleotide variant.
Coding change: c.8988+15T>C on transcript NM_000426.4 (MANE Select); 15 bases into the intron after coding-DNA position 8988, T replaced by C.
Molecular consequence: intron variant.
Genome position (GRCh38, 1-based): chr6:129,512,508, T>C. VCF-style: chr6-129512508-T-C. GRCh37 (hg19) VCF-style: chr6-129833653-T-C.
Other names: c.8976+15T>C (NM_001079823.2).
Identifiers: ClinVar variation 445513 (VCV000445513.18), dbSNP rs201041465, ClinGen allele CA3994991.